The following is an entry in ClinVar:

ClinVar aggregate classification (germline): Uncertain significance (1 of 4 stars; one submission).

Conditions:
Hereditary cancer-predisposing syndrome. Also called: Neoplastic Syndromes, Hereditary; Tumor predisposition; Hereditary neoplastic syndrome; Hereditary Cancer Syndrome. Identifiers: Orphanet 140162, MedGen C0027672, MeSH D009386, MONDO:0015356.

Submission:

Ambry Genetics
Classification: Uncertain significance for Hereditary cancer-predisposing syndrome. Last evaluated: 2026-06-18. Review status: criteria provided, single submitter. Criteria: Ambry Variant Classification Scheme 2023. Collection method: clinical testing. Allele origin: germline.
Comment: The p.S187Y variant (also known as c.560C>A), located in coding exon 3 of the KIT gene, results from a C to A substitution at nucleotide position 560. The serine at codon 187 is replaced by tyrosine, an amino acid with dissimilar properties. This amino acid position is conserved. In addition, this alteration is predicted to be tolerated by in silico analysis. Based on the available evidence, the clinical significance of this variant remains unclear.

NM_000222.3(KIT):c.560C>A (p.Ser187Tyr)

Gene: KIT (KIT proto-oncogene, receptor tyrosine kinase; plus strand). Cytogenetic location: 4q12.
Variant type: single nucleotide variant.
Coding change: c.560C>A on transcript NM_000222.3 (MANE Select); coding-DNA position 560, C replaced by A.
Protein change: p.Ser187Tyr; replaces serine 187 with tyrosine.
Molecular consequence: missense variant.
Genome position (GRCh38, 1-based): chr4:54,698,506, C>A. VCF-style: chr4-54698506-C-A. GRCh37 (hg19) VCF-style: chr4-55564672-C-A.
Other names: c.560C>A, p.Ser187Tyr (NM_001093772.2, NM_001385284.1, NM_001385285.1 and 4 more transcripts); short protein forms S187Y.
Identifiers: ClinVar variation 5023290 (VCV005023290.1).